The following is an entry in ClinVar:

NM_001005337.3(PKP1):c.1334G>A (p.Arg445His)

Gene: PKP1 (plakophilin 1; plus strand). Cytogenetic location: 1q32.1.
Variant type: single nucleotide variant.
Coding change: c.1334G>A on transcript NM_001005337.3 (MANE Select); coding-DNA position 1334, G replaced by A.
Protein change: p.Arg445His; replaces arginine 445 with histidine.
Molecular consequence: missense variant.
Genome position (GRCh38, 1-based): chr1:201,320,368, G>A. VCF-style: chr1-201320368-G-A. GRCh37 (hg19) VCF-style: chr1-201289496-G-A.
Other names: c.1397G>A, p.Arg466His (NM_000299.4); short protein forms R466H, R445H.
Identifiers: ClinVar variation 2052180 (VCV002052180.3), dbSNP rs137968512, ClinGen allele CA1324413.

ClinVar aggregate classification (germline): Uncertain significance. Review status: criteria provided, multiple submitters, no conflicts (2 of 4 stars). 2 submissions from 2 submitters: Uncertain significance (2). Last evaluated 2024-04-05.

Allele frequency attached by ClinVar (database versions not stated): gnomAD exomes 0.00006; ExAC 0.00008; gnomAD 0.00021; ESP Exome Variant Server 0.00023; TOPMed 0.00028.
gnomAD v4.1: 128 of 1,611,298 alleles (0.0079%); highest among the groups gnomAD compares: African/African-American, 0.1%; no homozygotes.

Submissions (2):

Blueprint Genetics
Classification: Uncertain significance. Last evaluated: 2024-04-05. Review status: criteria provided, single submitter. Criteria: ACMG Guidelines, 2015. Collection method: clinical testing. Allele origin: germline.

Labcorp Genetics (formerly Invitae), Labcorp
Classification: Uncertain significance. Last evaluated: 2022-07-09. Review status: criteria provided, single submitter. Criteria: Invitae Variant Classification Sherloc (09022015). Collection method: clinical testing. Allele origin: germline.
Comment: This sequence change replaces arginine, which is basic and polar, with histidine, which is basic and polar, at codon 445 of the PKP1 protein (p.Arg445His). In summary, the available evidence is currently insufficient to determine the role of this variant in disease. Therefore, it has been classified as a Variant of Uncertain Significance. Algorithms developed to predict the effect of missense changes on protein structure and function are either unavailable or do not agree on the potential impact of this missense change (SIFT: "Tolerated"; PolyPhen-2: "Probably Damaging"; Align-GVGD: "Class C0"). This variant has not been reported in the literature in individuals affected with PKP1-related conditions. This variant is present in population databases (rs137968512, gnomAD 0.08%).